The following is an entry in ClinVar:

NM_004870.4(MPDU1):c.12G>A (p.Glu4=)

Genes: MPDU1-AS1 (MPDU1 antisense RNA 1; minus strand), MPDU1 (mannose-P-dolichol utilization defect 1; plus strand). Cytogenetic location: 17p13.1.
Variant type: single nucleotide variant.
Coding change: c.12G>A on transcript NM_004870.4 (MANE Select); coding-DNA position 12, G replaced by A.
Protein change: p.Glu4=; no amino-acid change (glutamic acid 4 retained).
Molecular consequence: synonymous variant. On other transcripts: non-coding transcript variant (1).
Genome position (GRCh38, 1-based): chr17:7,583,874, G>A. VCF-style: chr17-7583874-G-A. GRCh37 (hg19) VCF-style: chr17-7487192-G-A.
Other names: c.12G>A, p.Glu4= (NM_001330073.1).
Identifiers: ClinVar variation 389197 (VCV000389197.11), dbSNP rs146631664, ClinGen allele CA8352795.
Genomic context (GRCh38, chr17:7,583,874, plus strand): 5'-CGAAAGTCAATGGCGGTCTGGAGAGACTGGCGGAAGCTAGCTTTGCAATATGGCGGCCGA[G>A]GCGGACGGACCGCTTAAACGGCTGCTCGTGCCGATTCTTTTACCTGAGAAATGCTACGAC-3'
Protein context (NP_004861.2, residues 1-14): MAA[Glu4=]ADGPLKRLLV

ClinVar aggregate classification (germline): Likely benign. Review status: criteria provided, multiple submitters, no conflicts (2 of 4 stars). 2 submissions from 2 submitters: Likely benign (2). Last evaluated 2025-10-02.

Conditions:
MPDU1-congenital disorder of glycosylation. Also called: MPDU1-CDG; CONGENITAL DISORDER OF GLYCOSYLATION, TYPE If; CDG If. Identifiers: Orphanet 79323, MedGen C1836669, MONDO:0012211, OMIM 609180.

Allele frequency attached by ClinVar (database versions not stated): ExAC 0.00002; gnomAD exomes 0.00003; gnomAD 0.00006; TOPMed 0.00006; ESP Exome Variant Server 0.00008.
gnomAD v4.1: 52 of 1,613,984 alleles (0.0032%); highest among the groups gnomAD compares: Middle Eastern, 0.033%; no homozygotes.

Submissions (2):

Labcorp Genetics (formerly Invitae), Labcorp
Classification: Likely benign for MPDU1-congenital disorder of glycosylation. Last evaluated: 2025-10-02. Review status: criteria provided, single submitter. Criteria: Invitae Variant Classification Sherloc (09022015). Collection method: clinical testing. Allele origin: germline.

GeneDx
Classification: Likely benign. Last evaluated: 2016-09-20. Review status: criteria provided, single submitter. Criteria: GeneDx Variant Classification (06012015). Collection method: clinical testing. Allele origin: germline. Affected: yes.
Comment: This variant is considered likely benign or benign based on one or more of the following criteria: it is a conservative change, it occurs at a poorly conserved position in the protein, it is predicted to be benign by multiple in silico algorithms, and/or has population frequency not consistent with disease.